The following is an entry in ClinVar:

ClinVar aggregate classification (germline): Pathogenic. Review status: criteria provided, multiple submitters, no conflicts (2 of 4 stars). 5 submissions from 5 submitters: Pathogenic (5). Last evaluated 2025-03-15.

Conditions:
Hereditary cancer-predisposing syndrome. Also called: Hereditary neoplastic syndrome; Tumor predisposition; Neoplastic Syndromes, Hereditary; Hereditary Cancer Syndrome. Identifiers: Orphanet 140162, MedGen C0027672, MeSH D009386, MONDO:0015356.
Malignant tumor of breast. Also called: Malignant breast neoplasm; Cancer breast. Identifiers: MedGen C0006142, MONDO:0007254. Disease mechanism: loss of function.
Familial cancer of breast. Also called: hereditary breast carcinoma; BREAST CANCER, FAMILIAL; Hereditary breast cancer. Identifiers: Orphanet 227535, MedGen C0346153, MONDO:0016419, OMIM 114480. Disease mechanism: loss of function.

Submissions (5):

Labcorp Genetics (formerly Invitae), Labcorp
Classification: Pathogenic for Familial cancer of breast. Last evaluated: 2025-03-15. Review status: criteria provided, single submitter. Criteria: Invitae Variant Classification Sherloc (09022015). Collection method: clinical testing. Allele origin: germline.
Comment: This sequence change creates a premature translational stop signal (p.Ser333*) in the BARD1 gene. It is expected to result in an absent or disrupted protein product. Loss-of-function variants in BARD1 are known to be pathogenic (PMID: 20077502, 21344236). This variant is present in population databases (no rsID available, gnomAD 0.0009%). This variant has not been reported in the literature in individuals affected with BARD1-related conditions. ClinVar contains an entry for this variant (Variation ID: 571702). For these reasons, this variant has been classified as Pathogenic.

Ambry Genetics
Classification: Pathogenic for Hereditary cancer-predisposing syndrome. Last evaluated: 2025-03-10. Review status: criteria provided, single submitter. Criteria: Ambry Variant Classification Scheme 2023. Collection method: clinical testing. Allele origin: germline.
Comment: The c.998_999delCT pathogenic mutation, located in coding exon 4 of the BARD1 gene, results from a deletion of two nucleotides at nucleotide positions 998 to 999, causing a translational frameshift with a predicted alternate stop codon (p.S333*). This variant is considered to be rare based on population cohorts in the Genome Aggregation Database (gnomAD). This alteration is expected to result in loss of function by premature protein truncation or nonsense-mediated mRNA decay. As such, this alteration is interpreted as a disease-causing mutation.

Myriad Genetics, Inc.
Classification: Pathogenic for Familial cancer of breast. Last evaluated: 2023-05-22. Review status: criteria provided, single submitter. Criteria: Myriad Autosomal Dominant, Autosomal Recessive and X-Linked Classification Criteria (2023). Collection method: clinical testing. Allele origin: unknown.
Comment: This variant is considered pathogenic. This variant creates a termination codon and is predicted to result in premature protein truncation.

Women's Health and Genetics/Laboratory Corporation of America, LabCorp
Classification: Pathogenic for Malignant tumor of breast. Last evaluated: 2023-02-21. Review status: criteria provided, single submitter. Criteria: LabCorp Variant Classification Summary - May 2015. Collection method: clinical testing. Allele origin: germline.
Comment: Variant summary: BARD1 c.998_999delCT (p.Ser333X) results in a premature termination codon, predicted to cause a truncation of the encoded protein or absence of the protein due to nonsense mediated decay, which are commonly known mechanisms for disease. Truncations downstream of this position have been classified as pathogenic by our laboratory. The variant allele was found at a frequency of 4e-06 in 251114 control chromosomes. c.998_999delCT has been reported in the literature in individuals affected with Ovarian Cancer (Suszynska_2020). To our knowledge, no experimental evidence demonstrating an impact on protein function has been reported. Three clinical diagnostic laboratories have submitted clinical-significance assessments for this variant to ClinVar after 2014 without evidence for independent evaluation. All laboratories classified the variant as pathogenic. Based on the evidence outlined above, the variant was classified as pathogenic.

Color Diagnostics, LLC DBA Color Health
Classification: Pathogenic for Hereditary cancer-predisposing syndrome. Last evaluated: 2020-05-14. Review status: criteria provided, single submitter. Criteria: ACMG Guidelines, 2015. Collection method: clinical testing. Allele origin: germline.
Comment: This variant deletes 2 nucleotides in exon 4 of the BARD1 gene, creating a frameshift and premature translation stop signal. This variant is expected to result in an absent or non-functional protein product. To our knowledge, this variant has not been reported in individuals affected with hereditary cancer in the literature. This variant has been identified in 1/251114 chromosomes in the general population by the Genome Aggregation Database (gnomAD). Loss of BARD1 function is a known mechanism of disease. Based on the available evidence, this variant is classified as Pathogenic.

Literature cited by the submitters: PubMed 20077502 (cited by Labcorp Genetics (formerly Invitae), Labcorp); PubMed 21344236 (cited by Labcorp Genetics (formerly Invitae), Labcorp); PubMed 32679805 (cited by Women's Health and Genetics/Laboratory Corporation of America, LabCorp).

NM_000465.4(BARD1):c.998_999del (p.Ile332_Ser333insTer)

Gene: BARD1 (BRCA1 associated RING domain 1; minus strand). Cytogenetic location: 2q35.
Variant type: Deletion.
Coding change: c.998_999del on transcript NM_000465.4 (MANE Select); coding-DNA positions 998 to 999, 2 bases deleted (CT; older notation c.998_999delCT).
Protein change: p.Ile332_Ser333insTer.
Molecular consequence: nonsense. On other transcripts: non-coding transcript variant (2), intron variant (3).
Genome position (GRCh38, 1-based): chr2:214,780,875-214,780,876, AG deleted on the plus strand (CT on the coding strand, the reverse complement: BARD1 is on the minus strand); deleting any 2 consecutive bases within chr2:214,780,875-214,780,877 gives the same sequence; the c. name uses the placement nearest the transcript's 3' end. VCF-style (leftmost placement, unchanged base first): chr2-214780874-TAG-T. GRCh37 (hg19) VCF-style: chr2-215645598-TAG-T.
Other names: c.941_942del, p.Ile313_Ser314insTer (NM_001282543.2); c.159-28321_159-28320del (NM_001282548.2); c.215+16185_215+16186del (NM_001282545.2); c.364+11421_364+11422del (NM_001282549.2); c.998_999delCT (NM_000465.2).
Identifiers: ClinVar variation 571702 (VCV000571702.19), dbSNP rs1482641121, ClinGen allele CA539837290.